The following is an entry in ClinVar:

ClinVar aggregate classification (germline): Conflicting classifications of pathogenicity. Review status: criteria provided, conflicting classifications (1 of 4 stars). 5 submissions from 5 submitters: Pathogenic (2); Likely pathogenic (2); Uncertain significance (1). Last evaluated 2026-09-23.

Conditions:
SMC1A-related disorder. Also called: SMC1A-related condition.
Congenital muscular hypertrophy-cerebral syndrome (CDLS2). Also called: SMC1A-Related Cornelia de Lange Syndrome; Cornelia de Lange syndrome 2. Identifiers: Orphanet 199, MedGen C1802395, MONDO:0010370, OMIM 300590.

Submissions (5):

GeneDx
Classification: Pathogenic. Last evaluated: 2026-09-23. Review status: criteria provided, single submitter. Criteria: GeneDx Variant Classification Process June 2021. Collection method: clinical testing. Allele origin: germline.
Comment: Identified as de novo with confirmed parentage in an individual with a neurodevelopmental disorder in the published literature; however, no further clinical information was provided (PMID: 39817275); Not observed in large population cohorts (gnomAD); Missense variants in this gene are often considered pathogenic (HGMD); In silico analysis supports that this missense variant has a deleterious effect on protein structure/function; This variant is associated with the following publications: (PMID: 40803994, 39817275)

Dasa
Classification: Likely pathogenic for Cornelia de Lange syndrome 2. Last evaluated: 2025-09-05. Review status: criteria provided, single submitter. Criteria: DASA Assertion Criteria. Collection method: clinical testing. Allele origin: germline.
Comment: NM_006306.4(SMC1A):c.3362G>A (p.Arg1121His) is a missense variant that results in the substitution of arginine with histidine. This variant has been reported as a de novo occurrence in an affected individual (PMID: 39817275). Also, this variant is absent from population databases. Computational evidence supports a deleterious effect. Based on the currently available evidence, this variant is classified as likely pathogenic.

Labcorp Genetics (formerly Invitae), Labcorp
Classification: Uncertain significance for Congenital muscular hypertrophy-cerebral syndrome. Last evaluated: 2024-11-07. Review status: criteria provided, single submitter. Criteria: Invitae Variant Classification Sherloc (09022015). Collection method: clinical testing. Allele origin: germline.
Comment: This sequence change replaces arginine, which is basic and polar, with histidine, which is basic and polar, at codon 1121 of the SMC1A protein (p.Arg1121His). This variant is not present in population databases (gnomAD no frequency). This variant has not been reported in the literature in individuals affected with SMC1A-related conditions. ClinVar contains an entry for this variant (Variation ID: 989352). Invitae Evidence Modeling of protein sequence and biophysical properties (such as structural, functional, and spatial information, amino acid conservation, physicochemical variation, residue mobility, and thermodynamic stability) indicates that this missense variant is expected to disrupt SMC1A protein function with a positive predictive value of 80%. In summary, the available evidence is currently insufficient to determine the role of this variant in disease. Therefore, it has been classified as a Variant of Uncertain Significance.

Blueprint Genetics
Classification: Likely pathogenic for SMC1A-related disorders. Last evaluated: 2020-11-05. Review status: criteria provided, single submitter. Criteria: ACMG Guidelines, 2015. Collection method: clinical testing. Allele origin: germline. Affected: yes. Observed: 2 variant alleles.

Illumina Laboratory Services, Illumina
Classification: Pathogenic for Congenital muscular hypertrophy-cerebral syndrome. Last evaluated: 2019-08-22. Review status: criteria provided, single submitter. Criteria: ICSLVariantClassificationCriteria RUGD 01 April 2020. Collection method: clinical testing. Allele origin: unknown.
Comment: The SMC1A c.3362G>A (p.Arg1121His) variant is a missense variant. A literature search was performed for the gene, cDNA change, and amino acid change. No publications were found based on this search. This variant is not found in the Genome Aggregation Database in a region of good sequence coverage, so the variant is presumed to be rare. Missense variants in this gene are a common mechanism of disease and this variant is found in the C-terminal P-loop NTPAse domain, which is known to bind to DNA (Mannini et al. 2010; Huisman et al. 2017). Several clinically significant missense variants have been reported in this domain, including at residues 1122 and 1123 (Mannini et al. 2010; Huisman et al. 2017). Based on the collective evidence and the application of the ACMG criteria, the p.Arg1121His variant is classified as pathogenic for Cornelia de Lange syndrome.

Literature cited by the submitters: PubMed 39817275 (cited by Dasa); PubMed 19842212 (cited by Illumina Laboratory Services, Illumina); PubMed 28548707 (cited by Illumina Laboratory Services, Illumina).

NM_006306.4(SMC1A):c.3362G>A (p.Arg1121His)

Gene: SMC1A (structural maintenance of chromosomes 1A; minus strand). Cytogenetic location: Xp11.22.
Variant type: single nucleotide variant.
Coding change: c.3362G>A on transcript NM_006306.4 (MANE Select); coding-DNA position 3362, G replaced by A.
Protein change: p.Arg1121His; replaces arginine 1121 with histidine.
Molecular consequence: missense variant.
Genome position (GRCh38, 1-based): chrX:53,382,307, C>T on the plus strand (G>A on the coding strand, the complement: SMC1A is on the minus strand). VCF-style: chrX-53382307-C-T. GRCh37 (hg19) VCF-style: chrX-53409228-C-T.
Other names: c.3296G>A, p.Arg1099His (NM_001281463.1); short protein forms R1099H, R1121H.
Identifiers: ClinVar variation 989352 (VCV000989352.15), dbSNP rs2075586377, ClinGen allele CA413243389.
Genomic context (GRCh38, chrX:53,382,307, plus strand): 5'-AGCAGGGCCAGAGCTGCCACTGTCTTCTCCCCGCCTGACAAGTTGTCCATAGGCCGGAAG[C>T]GTTTCCCAGGAGCCACACAGTTGTAGTTGATGCCATCCAAGTAGGGCTCTTCAGGGTTCT-3'
Protein context (NP_006297.2, residues 1111-1131): INYNCVAPGK[Arg1121His]FRPMDNLSGG